The following is an entry in ClinVar:

ClinVar aggregate classification (germline): Uncertain significance (1 of 4 stars; one submission).

Conditions:
Malignant hyperthermia, susceptibility to, 5 (MHS5). Also called: CACNA1S-Related Malignant Hyperthermia Susceptibility. Identifiers: Orphanet 423, MedGen C1866077, MONDO:0011163, OMIM 601887.

Allele frequency attached by ClinVar (database versions not stated): gnomAD exomes below 0.00001; TOPMed below 0.00001.
gnomAD v4.1: 1 of 1,614,192 alleles (0.000062%); highest among the groups gnomAD compares: Non-Finnish European, 0.000085%; no homozygotes.

Submission:

All of Us Research Program, National Institutes of Health
Classification: Uncertain significance for Malignant hyperthermia, susceptibility to, 5. Last evaluated: 2023-12-18. Review status: criteria provided, single submitter. Criteria: ACMG Guidelines, 2015. Collection method: clinical testing. Allele origin: germline. Inheritance: Autosomal dominant inheritance. Observed: 1 variant allele, 1 heterozygote.
Comment: This missense variant replaces glutamic acid with glutamine at codon 1070 of the CACNA1S protein. Computational prediction suggests that this variant may have deleterious impact on protein structure and function (internally defined REVEL score threshold >= 0.7, PMID: 27666373). To our knowledge, functional studies have not been reported for this variant. This variant has not been reported in individuals affected with CACNA1S-related disorders in the literature. This variant has not been identified in the general population by the Genome Aggregation Database (gnomAD). The available evidence is insufficient to determine the role of this variant in disease conclusively. Therefore, this variant is classified as a Variant of Uncertain Significance.

This study involves interpretation of variants in research participants for the purpose of population health screening. Participant phenotype was not available at the time of variant classification. Additional details can be found in publication PMID: 35346344, PMCID: PMC8962531

NM_000069.3(CACNA1S):c.3208G>C (p.Glu1070Gln)

Gene: CACNA1S (calcium voltage-gated channel subunit alpha1 S; minus strand). Cytogenetic location: 1q32.1.
Variant type: single nucleotide variant.
Coding change: c.3208G>C on transcript NM_000069.3 (MANE Select); coding-DNA position 3208, G replaced by C.
Protein change: p.Glu1070Gln; replaces glutamic acid 1070 with glutamine.
Molecular consequence: missense variant.
Genome position (GRCh38, 1-based): chr1:201,061,314, C>G on the plus strand (G>C on the coding strand, the complement: CACNA1S is on the minus strand). VCF-style: chr1-201061314-C-G. GRCh37 (hg19) VCF-style: chr1-201030442-C-G.
Other names: short protein forms E1070Q.
Identifiers: ClinVar variation 3075042 (VCV003075042.1), dbSNP rs1661039702, ClinGen allele CA344161865.